The following is an entry in ClinVar:

NM_007294.4(BRCA1):c.790A>G (p.Ser264Gly)

Gene: BRCA1 (BRCA1 DNA repair associated; minus strand). Cytogenetic location: 17q21.31.
Variant type: single nucleotide variant.
Coding change: c.790A>G on transcript NM_007294.4 (MANE Select); coding-DNA position 790, A replaced by G.
Protein change: p.Ser264Gly; replaces serine 264 with glycine.
Molecular consequence: missense variant. On other transcripts: 5 prime UTR variant (2), intron variant (136).
Genome position (GRCh38, 1-based): chr17:43,094,741, T>C on the plus strand (A>G on the coding strand, the complement: BRCA1 is on the minus strand). VCF-style: chr17-43094741-T-C. GRCh37 (hg19) VCF-style: chr17-41246758-T-C.
Other names: c.667A>G, p.Ser223Gly (NM_001407939.1, NM_001407648.1, NM_001407664.1 and 19 more transcripts); c.664A>G, p.Ser222Gly (NM_001407940.1, NM_001407941.1, NM_001407649.1 and 11 more transcripts); c.649A>G, p.Ser217Gly (NM_001407942.1, NM_001407944.1, NM_001407945.1 and 29 more transcripts); c.646A>G, p.Ser216Gly (NM_001407943.1, NM_001407964.1, NM_001407740.1 and 20 more transcripts); c.406A>G, p.Ser136Gly (NM_001407962.1); c.409A>G, p.Ser137Gly (NM_001407963.1, NM_001407959.1, NM_001407960.1); c.286A>G, p.Ser96Gly (NM_001407965.1); c.-99A>G (NM_001407966.1, NM_001407967.1); and 40 more; short protein forms S217G, S264G, T264A, S176G, S197G, S223G, S237G, S137G.
Identifiers: ClinVar variation 1359110 (VCV001359110.10), dbSNP rs397509321, ClinGen allele CA10600500.

ClinVar aggregate classification (germline): Conflicting classifications of pathogenicity. Review status: criteria provided, conflicting classifications (1 of 4 stars). 3 submissions from 3 submitters: Uncertain significance (2); Likely benign (1). Last evaluated 2025-11-26.

Conditions:
Hereditary cancer-predisposing syndrome. Also called: Tumor predisposition; Hereditary neoplastic syndrome; Neoplastic Syndromes, Hereditary; Hereditary Cancer Syndrome. Identifiers: Orphanet 140162, MedGen C0027672, MeSH D009386, MONDO:0015356.
Hereditary breast ovarian cancer syndrome. Also called: BRCA1- and BRCA2-Associated Hereditary Breast and Ovarian Cancer; Hereditary breast and ovarian cancer; Hereditary breast and/or ovarian cancer syndrome; Hereditary breast and ovarian cancer syndrome; Hereditary breast and ovarian cancer syndrome (HBOC); Breast and ovarian cancer. Identifiers: Orphanet 145, MedGen C0677776, MeSH D061325, MONDO:0003582. Disease mechanism: loss of function.

Submissions (3):

Ambry Genetics
Classification: Uncertain significance for Hereditary cancer-predisposing syndrome. Last evaluated: 2025-11-26. Review status: criteria provided, single submitter. Criteria: Ambry Variant Classification Scheme 2023. Collection method: clinical testing. Allele origin: germline.
Comment: The p.S264G variant (also known as c.790A>G), located in coding exon 9 of the BRCA1 gene, results from an A to G substitution at nucleotide position 790. The serine at codon 264 is replaced by glycine, an amino acid with similar properties. This amino acid position is poorly conserved in available vertebrate species. In addition, the in silico prediction for this alteration is inconclusive. Based on the available evidence, the clinical significance of this variant remains unclear.

Labcorp Genetics (formerly Invitae), Labcorp
Classification: Uncertain significance for Hereditary breast ovarian cancer syndrome. Last evaluated: 2023-12-17. Review status: criteria provided, single submitter. Criteria: Invitae Variant Classification Sherloc (09022015). Collection method: clinical testing. Allele origin: germline.
Comment: This sequence change replaces serine, which is neutral and polar, with glycine, which is neutral and non-polar, at codon 264 of the BRCA1 protein (p.Ser264Gly). This variant is not present in population databases (gnomAD no frequency). This variant has not been reported in the literature in individuals affected with BRCA1-related conditions. ClinVar contains an entry for this variant (Variation ID: 1359110). Advanced modeling of protein sequence and biophysical properties (such as structural, functional, and spatial information, amino acid conservation, physicochemical variation, residue mobility, and thermodynamic stability) performed at Invitae indicates that this missense variant is not expected to disrupt BRCA1 protein function with a negative predictive value of 95%. In summary, the available evidence is currently insufficient to determine the role of this variant in disease. Therefore, it has been classified as a Variant of Uncertain Significance.

University of Washington Department of Laboratory Medicine, University of Washington
Classification: Likely benign for Hereditary cancer-predisposing syndrome. Last evaluated: 2023-03-23. Review status: criteria provided, single submitter. Criteria: Dines et al. (Genet Med. 2020). Collection method: curation. Allele origin: germline.
Comment: Missense variant in a coldspot region where missense variants are very unlikely to be pathogenic (PMID:31911673).

BRCA1 coldspot (exon 11 using historical exon numbering). Reclassification based on statistical prior probability